The following is an entry in ClinVar:

NM_021009.7(UBC):c.210G>A (p.Val70=)

Gene: UBC (ubiquitin C; minus strand). Cytogenetic location: 12q24.31.
Variant type: single nucleotide variant.
Coding change: c.210G>A on transcript NM_021009.7 (MANE Select); coding-DNA position 210, G replaced by A.
Protein change: p.Val70=; no amino-acid change (valine 70 retained).
Molecular consequence: synonymous variant.
Genome position (GRCh38, 1-based): chr12:124,913,562, C>T on the plus strand (G>A on the coding strand, the complement: UBC is on the minus strand). VCF-style: chr12-124913562-C-T. GRCh37 (hg19) VCF-style: chr12-125398108-C-T.
Identifiers: ClinVar variation 2643575 (VCV002643575.24), dbSNP rs753379050, ClinGen allele CA6871090.

ClinVar aggregate classification (germline): Likely benign (1 of 4 stars; one submission).

Allele frequency attached by ClinVar (database versions not stated): ExAC 0.00019.

Submission:

CeGaT Center for Human Genetics Tuebingen
Classification: Likely benign. Last evaluated: 2026-04-01. Review status: criteria provided, single submitter. Criteria: CeGaT Center For Human Genetics Tuebingen Variant Classification Criteria Version 2. Collection method: clinical testing. Allele origin: germline. Affected: yes. Observed: 2 variant alleles.
Comment: UBC: BP4, BP7